The following is an entry in ClinVar:

ClinVar aggregate classification (germline): Uncertain significance (1 of 4 stars; one submission).

Allele frequency attached by ClinVar (database versions not stated): gnomAD exomes below 0.00001; gnomAD 0.00001; TOPMed 0.00001.
gnomAD v4.1: 2 of 1,613,294 alleles (0.00012%); highest among the groups gnomAD compares: Non-Finnish European, 0.00017%; no homozygotes.

Submission:

Labcorp Genetics (formerly Invitae), Labcorp
Classification: Uncertain significance. Last evaluated: 2022-01-21. Review status: criteria provided, single submitter. Criteria: Invitae Variant Classification Sherloc (09022015). Collection method: clinical testing. Allele origin: germline.
Comment: This sequence change replaces isoleucine, which is neutral and non-polar, with valine, which is neutral and non-polar, at codon 354 of the RASGRP1 protein (p.Ile354Val). This variant is not present in population databases (gnomAD no frequency). This variant has not been reported in the literature in individuals affected with RASGRP1-related conditions. Algorithms developed to predict the effect of missense changes on protein structure and function (SIFT, PolyPhen-2, Align-GVGD) all suggest that this variant is likely to be disruptive. In summary, the available evidence is currently insufficient to determine the role of this variant in disease. Therefore, it has been classified as a Variant of Uncertain Significance.

NM_005739.4(RASGRP1):c.1060A>G (p.Ile354Val)

Gene: RASGRP1 (RAS guanyl releasing protein 1; minus strand). Cytogenetic location: 15q14.
Variant type: single nucleotide variant.
Coding change: c.1060A>G on transcript NM_005739.4 (MANE Select); coding-DNA position 1060, A replaced by G.
Protein change: p.Ile354Val; replaces isoleucine 354 with valine.
Molecular consequence: missense variant.
Genome position (GRCh38, 1-based): chr15:38,507,908, T>C on the plus strand (A>G on the coding strand, the complement: RASGRP1 is on the minus strand). VCF-style: chr15-38507908-T-C. GRCh37 (hg19) VCF-style: chr15-38800109-T-C.
Other names: c.1060A>G, p.Ile354Val (NM_001128602.2, NM_001306086.2); short protein forms I354V.
Identifiers: ClinVar variation 1962712 (VCV001962712.2), dbSNP rs1891327375, ClinGen allele CA391666472.